The following is an entry in ClinVar:

NM_201384.3(PLEC):c.770C>T (p.Ser257Leu)

Gene: PLEC (plectin; minus strand). Cytogenetic location: 8q24.3.
Variant type: single nucleotide variant.
Coding change: c.770C>T on transcript NM_201384.3 (MANE Select); coding-DNA position 770, C replaced by T.
Protein change: p.Ser257Leu; replaces serine 257 with leucine.
Molecular consequence: missense variant.
Genome position (GRCh38, 1-based): chr8:143,935,066, G>A on the plus strand (C>T on the coding strand, the complement: PLEC is on the minus strand). VCF-style: chr8-143935066-G-A. GRCh37 (hg19) VCF-style: chr8-145009234-G-A.
Other names: c.851C>T, p.Ser284Leu (NM_000445.5); c.728C>T, p.Ser243Leu (NM_201378.4); c.704C>T, p.Ser235Leu (NM_201379.3); c.1181C>T, p.Ser394Leu (NM_201380.4); c.674C>T, p.Ser225Leu (NM_201381.3); c.770C>T, p.Ser257Leu (NM_201382.4); c.782C>T, p.Ser261Leu (NM_201383.3); c.851C>T (NM_000445.3); short protein forms S225L, S235L, S243L, S261L, S394L, S257L, S284L.
Identifiers: ClinVar variation 598191 (VCV000598191.13), dbSNP rs782139331, ClinGen allele CA4928322.

ClinVar aggregate classification (germline): Uncertain significance. Review status: criteria provided, multiple submitters, no conflicts (2 of 4 stars). 3 submissions from 3 submitters: Uncertain significance (3). Last evaluated 2026-05-14.

Conditions:
Inborn genetic diseases. Identifiers: MedGen C0950123, MeSH D030342.
Epidermolysis bullosa simplex 5C, with pyloric atresia (EBS5C). Also called: PLEC-Related Epidermolysis Bullosa with Pyloric Atresia; Epidermolysis bullosa simplex with pyloric atresia; PLEC1-Related Epidermolysis Bullosa with Pyloric Atresia. Identifiers: Orphanet 158684, MedGen C2677349, MONDO:0012807, OMIM 612138.
Autosomal recessive limb-girdle muscular dystrophy type 2Q (LGMDR17). Also called: MUSCULAR DYSTROPHY, LIMB-GIRDLE, AUTOSOMAL RECESSIVE 17. Identifiers: Orphanet 254361, MedGen C3150989, MONDO:0013390, OMIM 613723.
Epidermolysis bullosa simplex 5B, with muscular dystrophy (EBS5B). Also called: Epidermolysis bullosa simplex with muscular dystrophy; EPIDERMOLYSIS BULLOSA SIMPLEX AND LIMB-GIRDLE MUSCULAR DYSTROPHY. Identifiers: Orphanet 257, MedGen C2931072, MONDO:0009181, OMIM 226670.
Epidermolysis bullosa simplex, Ogna type (EBS5A). Also called: Pidermolysis bullosa simplex 5A, Ogna type; EPIDERMOLYSIS BULLOSA SIMPLEX 5A, OGNA TYPE. Identifiers: Orphanet 79401, MedGen C0432317, MONDO:0007555, OMIM 131950.
Epidermolysis bullosa simplex with nail dystrophy (EBS5D). Identifiers: MedGen C4225309, MONDO:0014661, OMIM 616487.

Allele frequency attached by ClinVar (database versions not stated): gnomAD 0.00001 and 0.00002; gnomAD exomes below 0.00001; TOPMed 0.00002; ExAC 0.00001.
gnomAD v4.1: 26 of 1,612,778 alleles (0.0016%); highest among the groups gnomAD compares: South Asian, 0.0044%; no homozygotes.

Submissions (3):

Ambry Genetics
Classification: Uncertain significance for Inborn genetic diseases. Last evaluated: 2026-05-14. Review status: criteria provided, single submitter. Criteria: Ambry Variant Classification Scheme 2023. Collection method: clinical testing. Allele origin: germline.
Comment: The c.851C>T (p.S284L) alteration is located in exon 9 (coding exon 8) of the PLEC gene. This alteration results from a C to T substitution at nucleotide position 851, causing the serine (S) at amino acid position 284 to be replaced by a leucine (L). Based on data from gnomAD, the T allele has an overall frequency of <0.001% (1/248252) total alleles studied. The highest observed frequency was 0.003% (1/30596) of South Asian alleles. Based on insufficient or conflicting evidence, the clinical significance of this alteration remains unclear.

Labcorp Genetics (formerly Invitae), Labcorp
Classification: Uncertain significance for Autosomal recessive limb-girdle muscular dystrophy type 2Q; Epidermolysis bullosa simplex, Ogna type; Epidermolysis bullosa simplex with nail dystrophy; Epidermolysis bullosa simplex 5C, with pyloric atresia; Epidermolysis bullosa simplex 5B, with muscular dystrophy. Last evaluated: 2024-08-28. Review status: criteria provided, single submitter. Criteria: Invitae Variant Classification Sherloc (09022015). Collection method: clinical testing. Allele origin: germline.
Comment: This sequence change replaces serine, which is neutral and polar, with leucine, which is neutral and non-polar, at codon 284 of the PLEC protein (p.Ser284Leu). This variant is present in population databases (rs782139331, gnomAD 0.003%). This variant has not been reported in the literature in individuals affected with PLEC-related conditions. ClinVar contains an entry for this variant (Variation ID: 598191). Experimental studies and prediction algorithms are not available or were not evaluated, and the functional significance of this variant is currently unknown. In summary, the available evidence is currently insufficient to determine the role of this variant in disease. Therefore, it has been classified as a Variant of Uncertain Significance.

Eurofins Ntd Llc (ga)
Classification: Uncertain significance. Last evaluated: 2018-07-30. Review status: criteria provided, single submitter. Criteria: EGL ClinVar v180209 classification definitions. Collection method: clinical testing. Allele origin: germline. Observed: 1 variant allele, 1 heterozygote.